The following is an entry in ClinVar:

NM_005876.5(SPEG):c.8508G>A (p.Lys2836=)

Genes: ASIC4-AS1 (ASIC4 antisense RNA 1; minus strand), SPEG (striated muscle enriched protein kinase; plus strand). Cytogenetic location: 2q35.
Variant type: single nucleotide variant.
Coding change: c.8508G>A on transcript NM_005876.5 (MANE Select); coding-DNA position 8508, G replaced by A.
Protein change: p.Lys2836=; no amino-acid change (lysine 2836 retained).
Molecular consequence: synonymous variant.
Genome position (GRCh38, 1-based): chr2:219,489,526, G>A. VCF-style: chr2-219489526-G-A. GRCh37 (hg19) VCF-style: chr2-220354248-G-A.
Identifiers: ClinVar variation 715221 (VCV000715221.16), dbSNP rs199850470, ClinGen allele CA2127510.

ClinVar aggregate classification (germline): Likely benign. Review status: criteria provided, multiple submitters, no conflicts (2 of 4 stars). 4 submissions from 4 submitters: Likely benign (4). Last evaluated 2026-01-19.

Allele frequency attached by ClinVar (database versions not stated): gnomAD 0.00017 and 0.00007; gnomAD exomes 0.00040 and 0.00045; ExAC 0.00051; 1000 Genomes Project 0.00120; 1000 Genomes Project 30x 0.00125; TOPMed 0.00010; ESP Exome Variant Server 0.00016.
gnomAD v4.1: 606 of 1,608,226 alleles (0.038%); highest among the groups gnomAD compares: South Asian, 0.24%; 2 homozygotes.

Submissions (4):

Labcorp Genetics (formerly Invitae), Labcorp
Classification: Likely benign. Last evaluated: 2026-01-19. Review status: criteria provided, single submitter. Criteria: Invitae Variant Classification Sherloc (09022015). Collection method: clinical testing. Allele origin: germline.

CeGaT Center for Human Genetics Tuebingen
Classification: Likely benign. Last evaluated: 2026-01-01. Review status: criteria provided, single submitter. Criteria: CeGaT Center For Human Genetics Tuebingen Variant Classification Criteria Version 2. Collection method: clinical testing. Allele origin: germline. Affected: yes. Observed: 1 variant allele.
Comment: SPEG: BP4, BS2

Blueprint Genetics
Classification: Likely benign. Last evaluated: 2024-10-30. Review status: criteria provided, single submitter. Criteria: ACMG Guidelines, 2015. Collection method: clinical testing. Allele origin: germline.

Breakthrough Genomics
Classification: Likely benign. Review status: criteria provided, single submitter. Criteria: ACMG Guidelines, 2015. Collection method: not provided. Allele origin: germline. Inheritance: Autosomal recessive inheritance. Affected: yes.